The following is an entry in ClinVar:

NM_001122769.3(LCA5):c.167C>G (p.Ser56Ter)

Gene: LCA5 (lebercilin LCA5; minus strand). Cytogenetic location: 6q14.1.
Variant type: single nucleotide variant.
Coding change: c.167C>G on transcript NM_001122769.3 (MANE Select); coding-DNA position 167, C replaced by G.
Protein change: p.Ser56Ter; replaces serine 56 with a stop codon.
Molecular consequence: nonsense.
Genome position (GRCh38, 1-based): chr6:79,518,728, G>C on the plus strand (C>G on the coding strand, the complement: LCA5 is on the minus strand). VCF-style: chr6-79518728-G-C. GRCh37 (hg19) VCF-style: chr6-80228445-G-C.
Other names: c.167C>G, p.Ser56Ter (NM_181714.4); short protein forms S56*.
Identifiers: ClinVar variation 2854185 (VCV002854185.3), dbSNP rs2533451045, ClinGen allele CA364631370.

ClinVar aggregate classification (germline): Pathogenic (1 of 4 stars; one submission).

Submission:

Labcorp Genetics (formerly Invitae), Labcorp
Classification: Pathogenic. Last evaluated: 2023-04-09. Review status: criteria provided, single submitter. Criteria: Invitae Variant Classification Sherloc (09022015). Collection method: clinical testing. Allele origin: germline.
Comment: This variant is not present in population databases (gnomAD no frequency). This sequence change creates a premature translational stop signal (p.Ser56*) in the LCA5 gene. It is expected to result in an absent or disrupted protein product. Loss-of-function variants in LCA5 are known to be pathogenic (PMID: 17546029, 23946133). This variant has not been reported in the literature in individuals affected with LCA5-related conditions. For these reasons, this variant has been classified as Pathogenic.

Literature cited by the submitters: PubMed 17546029; PubMed 23946133.